The following is an entry in ClinVar:

Single allele

Genes: MAGEA2 (MAGE family member A2), MAGEA3 (MAGE family member A3), NSDHL (NAD(P) dependent 3-beta-hydroxysteroid dehydrogenase NSDHL; plus strand), ZNF185 (zinc finger protein 185 with LIM domain; plus strand), CETN2 (centrin 2; minus strand) and 1 more. Cytogenetic location: Xq28.
Variant type: Duplication.
Identifiers: ClinVar variation 560107 (VCV000560107.3).

ClinVar aggregate classification (germline): Uncertain significance (1 of 4 stars; one submission).

Submission:

Geisinger Autism and Developmental Medicine Institute, Geisinger Health System
Classification: Uncertain significance. Last evaluated: 2018-03-22. Review status: criteria provided, single submitter. Criteria: ACMG CNV Guidelines, 2011. Collection method: provider interpretation. Allele origin: maternal.
Comment: The duplication includes 6 genes, only one of which, NSDHL, has been associated with a clinical condition. The effect of a duplication of this gene, or the others included, is unclear.